The following is an entry in ClinVar:

NM_199420.4(POLQ):c.7533T>A (p.Ser2511Arg)

Gene: POLQ (DNA polymerase theta; minus strand). Cytogenetic location: 3q13.33.
Variant type: single nucleotide variant.
Coding change: c.7533T>A on transcript NM_199420.4 (MANE Select); coding-DNA position 7533, T replaced by A.
Protein change: p.Ser2511Arg; replaces serine 2511 with arginine.
Molecular consequence: missense variant.
Genome position (GRCh38, 1-based): chr3:121,436,132, A>T on the plus strand (T>A on the coding strand, the complement: POLQ is on the minus strand). VCF-style: chr3-121436132-A-T. GRCh37 (hg19) VCF-style: chr3-121154979-A-T.
Other names: short protein forms S2511R.
Identifiers: ClinVar variation 1759393 (VCV001759393.3), dbSNP rs2546747156, ClinGen allele CA354095549.
Genomic context (GRCh38, chr3:121,436,132, plus strand): 5'-ATACAATTATTCTCATCATGTTACAGCACAGGCCTCATCTATGAACAAACCTGTTTGGTC[A>T]CTTTGGAGCATACCCTCTCGATGACCATGGGATTTGAAGGTTGAGTGGAAGGTCTCTAAT-3'
Protein context (NP_955452.3, residues 2501-2521): SHGHREGMLQ[Ser2511Arg]DQTGLSRKRK

ClinVar aggregate classification (germline): Uncertain significance (1 of 4 stars; one submission).

Submission:

Ambry Genetics
Classification: Uncertain significance. Last evaluated: 2024-10-12. Review status: criteria provided, single submitter. Criteria: Ambry Variant Classification Scheme 2023. Collection method: clinical testing. Allele origin: germline.
Comment: The p.S2511R variant (also known as c.7533T>A), located in coding exon 28 of the POLQ gene, results from a T to A substitution at nucleotide position 7533. The serine at codon 2511 is replaced by arginine, an amino acid with dissimilar properties. This amino acid position is conserved. In addition, this alteration is predicted to be tolerated by in silico analysis. Since supporting evidence is limited at this time, the clinical significance of this alteration remains unclear.